The following is an entry in ClinVar:

ClinVar aggregate classification (germline): Uncertain significance. Review status: criteria provided, multiple submitters, no conflicts (2 of 4 stars). 2 submissions from 2 submitters: Uncertain significance (2). Last evaluated 2019-11-15.

Conditions:
Mismatch repair cancer syndrome 3. Identifiers: MedGen C5436807, MONDO:0030841, OMIM 619097.
Endometrial carcinoma. Also called: Endometrial carcinoma, somatic. Identifiers: MedGen C0476089, MONDO:0002447, OMIM 608089, HP:0012114.
Lynch syndrome 5 (LYNCH5). Also called: Hereditary non-polyposis colorectal cancer, type 5; Colorectal cancer, hereditary nonpolyposis, type 5. Identifiers: Orphanet 144, MedGen C1833477, MONDO:0013710, OMIM 614350. Disease mechanism: loss of function.
Hereditary cancer-predisposing syndrome. Also called: Neoplastic Syndromes, Hereditary; Tumor predisposition; Hereditary Cancer Syndrome; Hereditary neoplastic syndrome. Identifiers: Orphanet 140162, MedGen C0027672, MeSH D009386, MONDO:0015356.

Allele frequency attached by ClinVar (database versions not stated): gnomAD exomes below 0.00001.

Submissions (2):

Department of Pathology and Laboratory Medicine, Sinai Health System
Classification: Uncertain significance for Endometrial carcinoma; Lynch syndrome 5; Mismatch repair cancer syndrome 3. Last evaluated: 2019-11-15. Review status: criteria provided, single submitter. Criteria: ACMG Guidelines, 2015. Collection method: clinical testing. Allele origin: germline.

Ambry Genetics
Classification: Uncertain significance for Hereditary cancer-predisposing syndrome. Last evaluated: 2017-03-31. Review status: criteria provided, single submitter. Criteria: Ambry Variant Classification Scheme 2023. Collection method: clinical testing. Allele origin: germline.
Comment: The p.G1125C variant (also known as c.3373G>T), located in coding exon 5 of the MSH6 gene, results from a G to T substitution at nucleotide position 3373. The glycine at codon 1125 is replaced by cysteine, an amino acid with highly dissimilar properties. This amino acid position is not well conserved in available vertebrate species. In addition, the in silico prediction for this alteration is inconclusive. In addition, the CoDP in silico tool predicts this alteration to have minor impact on molecular function, with a score of 0.205 (Terui H et al. J. Biomed. Sci. 2013 Apr;20:25). Since supporting evidence is limited at this time, the clinical significance of this alteration remains unclear.

NM_000179.3(MSH6):c.3373G>T (p.Gly1125Cys)

Gene: MSH6 (mutS homolog 6; plus strand). Cytogenetic location: 2p16.3.
Variant type: single nucleotide variant.
Coding change: c.3373G>T on transcript NM_000179.3 (MANE Select); coding-DNA position 3373, G replaced by T.
Protein change: p.Gly1125Cys; replaces glycine 1125 with cysteine.
Molecular consequence: missense variant.
Genome position (GRCh38, 1-based): chr2:47,803,620, G>T. VCF-style: chr2-47803620-G-T. GRCh37 (hg19) VCF-style: chr2-48030759-G-T.
Other names: c.2983G>T, p.Gly995Cys (NM_001281492.2); c.2467G>T, p.Gly823Cys (NM_001281493.2, NM_001281494.2, NM_001406811.1 and 6 more transcripts); c.3469G>T, p.Gly1157Cys (NM_001406795.1, NM_001406802.1); c.3373G>T, p.Gly1125Cys (NM_001406796.1, NM_001406800.1, NM_001406808.1 and 1 more transcripts); c.3076G>T, p.Gly1026Cys (NM_001406797.1, NM_001406801.1, NM_001406805.1 and 10 more transcripts); c.3199G>T, p.Gly1067Cys (NM_001406798.1); c.2848G>T, p.Gly950Cys (NM_001406799.1, NM_001406806.1, NM_001406807.1); c.2509G>T, p.Gly837Cys (NM_001406803.1); and 7 more; short protein forms G1026C, G1099C, G74C, G837C, G1069C, G1125C, G1127C, G823C.
Identifiers: ClinVar variation 1730755 (VCV001730755.3), dbSNP rs2104482997, ClinGen allele CA346758808.